The following is an entry in ClinVar:

ClinVar aggregate classification (germline): Uncertain significance (1 of 4 stars; one submission).

Submission:

Quest Diagnostics Nichols Institute San Juan Capistrano
Classification: Uncertain significance. Last evaluated: 2025-01-11. Review status: criteria provided, single submitter. Criteria: Quest Diagnostics criteria. Collection method: clinical testing. Allele origin: unknown.
Comment: The PMS2 c.2492T>C (p.Ile831Thr) variant has not been reported in individuals with PMS2-related conditions in the published literature. It also has not been reported in large, multi-ethnic general populations (Genome Aggregation Database). Analysis of this variant using bioinformatics tools for the prediction of the effect of amino acid changes on protein structure and function yielded predictions that this variant is benign. Based on the available information, we are unable to determine the clinical significance of this variant.

NM_000535.7(PMS2):c.2492T>C (p.Ile831Thr)

Gene: PMS2 (PMS1 homolog 2, mismatch repair system component; minus strand). Cytogenetic location: 7p22.1.
Variant type: single nucleotide variant.
Coding change: c.2492T>C on transcript NM_000535.7 (MANE Select); coding-DNA position 2492, T replaced by C.
Protein change: p.Ile831Thr; replaces isoleucine 831 with threonine.
Molecular consequence: missense variant. On other transcripts: non-coding transcript variant (1).
Genome position (GRCh38, 1-based): chr7:5,973,496, A>G on the plus strand (T>C on the coding strand, the complement: PMS2 is on the minus strand). VCF-style: chr7-5973496-A-G. GRCh37 (hg19) VCF-style: chr7-6013127-A-G.
Other names: c.2087T>C, p.Ile696Thr (NM_001322003.2, NM_001322004.2, NM_001322005.2 and 11 more transcripts); c.2336T>C, p.Ile779Thr (NM_001322006.2); c.2174T>C, p.Ile725Thr (NM_001322007.2, NM_001322008.2, NM_001406883.1); c.2120T>C, p.Ile707Thr (NM_001322009.2, NM_001406887.1, NM_001406888.1); c.1931T>C, p.Ile644Thr (NM_001322010.2, NM_001406906.1, NM_001406907.1); c.1559T>C, p.Ile520Thr (NM_001322011.2, NM_001322012.2); c.1919T>C, p.Ile640Thr (NM_001322013.2, NM_001406908.1, NM_001406909.1); c.2525T>C, p.Ile842Thr (NM_001322014.2); and 20 more; short protein forms I430T, I520T, I574T, I592T, I640T, I644T, I660T, I669T.
Identifiers: ClinVar variation 4532978 (VCV004532978.1).